The following is an entry in ClinVar:

ClinVar aggregate classification (germline): Likely benign. Review status: criteria provided, multiple submitters, no conflicts (2 of 4 stars). 7 submissions from 3 submitters: Likely benign (7). Last evaluated 2025-03-17.

Conditions:
Hereditary cryohydrocytosis with reduced stomatin. Also called: GLUT1 DEFICIENCY SYNDROME WITH PSEUDOHYPERKALEMIA AND HEMOLYSIS; Stomatin-deficient cryohydrocytosis with neurologic defects. Identifiers: Orphanet 168577, MedGen C1837206, MONDO:0012143, OMIM 608885.
Epilepsy, idiopathic generalized, susceptibility to, 12 (EIG12). Identifiers: MedGen C3553859, MONDO:0013919, OMIM 614847.
Childhood onset GLUT1 deficiency syndrome 2. Also called: Paroxysmal exercise-induced dystonia; PAROXYSMAL EXERCISE-INDUCED DYSKINESIA WITH OR WITHOUT EPILEPSY AND/OR HEMOLYTIC ANEMIA; PAROXYSMAL EXERTION-INDUCED DYSTONIA WITH OR WITHOUT EPILEPSY AND/OR HEMOLYTIC ANEMIA; PED WITH OR WITHOUT EPILEPSY AND/OR HEMOLYTIC ANEMIA; PxMD-SLC2A1; Exertion-induced paroxysmal dyskinesia. Identifiers: Orphanet 98811, MedGen C1842534, MONDO:0012805, OMIM 612126.
Dystonia 9 (DYT9). Also called: CHOREOATHETOSIS, KINESIGENIC, WITH EPISODIC ATAXIA AND SPASTICITY. Identifiers: Orphanet 53583, MedGen C1832855, MONDO:0010983, OMIM 601042.
Encephalopathy due to GLUT1 deficiency. Also called: GLUCOSE TRANSPORT DEFECT, BLOOD-BRAIN BARRIER; De Vivo disease; GLUT1 deficiency syndrome 1; Classic Glucose Transporter Type 1 Deficiency Syndrome; GLUT1 deficiency syndrome 1, infantile onset, severe; Glucose transporter protein syndrome. Identifiers: Orphanet 71277, MedGen C4551966, MONDO:0011724, OMIM 606777.
GLUT1 deficiency syndrome 1, autosomal recessive. Identifiers: MedGen C3149117.

gnomAD v4.1: 1 of 1,613,440 alleles (0.000062%); no homozygotes.

Submissions (7):

Labcorp Genetics (formerly Invitae), Labcorp
Classification: Likely benign for GLUT1 deficiency syndrome 1, autosomal recessive. Last evaluated: 2025-03-17. Review status: criteria provided, single submitter. Criteria: Invitae Variant Classification Sherloc (09022015). Collection method: clinical testing. Allele origin: germline.

Genome-Nilou Lab
Classification: Likely benign for Epilepsy, idiopathic generalized, susceptibility to, 12. Last evaluated: 2023-04-11. Review status: criteria provided, single submitter. Criteria: ACMG Guidelines, 2015. Collection method: clinical testing. Allele origin: germline. Affected: no.

Genome-Nilou Lab
Classification: Likely benign for Dystonia 9. Last evaluated: 2023-04-11. Review status: criteria provided, single submitter. Criteria: ACMG Guidelines, 2015. Collection method: clinical testing. Allele origin: germline. Affected: no.

Genome-Nilou Lab
Classification: Likely benign for Encephalopathy due to GLUT1 deficiency. Last evaluated: 2023-04-11. Review status: criteria provided, single submitter. Criteria: ACMG Guidelines, 2015. Collection method: clinical testing. Allele origin: germline. Affected: no.

Genome-Nilou Lab
Classification: Likely benign for Childhood onset GLUT1 deficiency syndrome 2. Last evaluated: 2023-04-11. Review status: criteria provided, single submitter. Criteria: ACMG Guidelines, 2015. Collection method: clinical testing. Allele origin: germline. Affected: no.

Genome-Nilou Lab
Classification: Likely benign for Hereditary cryohydrocytosis with reduced stomatin. Last evaluated: 2023-04-11. Review status: criteria provided, single submitter. Criteria: ACMG Guidelines, 2015. Collection method: clinical testing. Allele origin: germline. Affected: no.

GeneDx
Classification: Likely benign. Last evaluated: 2017-08-17. Review status: criteria provided, single submitter. Criteria: GeneDx Variant Classification (06012015). Collection method: clinical testing. Allele origin: germline. Affected: yes.
Comment: This variant is considered likely benign or benign based on one or more of the following criteria: it is a conservative change, it occurs at a poorly conserved position in the protein, it is predicted to be benign by multiple in silico algorithms, and/or has population frequency not consistent with disease.

NM_006516.4(SLC2A1):c.852G>A (p.Leu284=)

Gene: SLC2A1 (solute carrier family 2 member 1; minus strand). Cytogenetic location: 1p34.2.
Variant type: single nucleotide variant.
Coding change: c.852G>A on transcript NM_006516.4 (MANE Select); coding-DNA position 852, G replaced by A.
Protein change: p.Leu284=; no amino-acid change (leucine 284 retained).
Molecular consequence: synonymous variant.
Genome position (GRCh38, 1-based): chr1:42,929,608, C>T on the plus strand (G>A on the coding strand, the complement: SLC2A1 is on the minus strand). VCF-style: chr1-42929608-C-T. GRCh37 (hg19) VCF-style: chr1-43395279-C-T.
Identifiers: ClinVar variation 511516 (VCV000511516.9), dbSNP rs1553156049, ClinGen allele CA417409281.